The following is an entry in ClinVar:

ClinVar aggregate classification (germline): Uncertain significance (1 of 4 stars; one submission).

Conditions:
Norman-Roberts syndrome (LIS2). Also called: Lissencephaly 2 (Norman-Roberts type). Identifiers: Orphanet 89844, MedGen C0796089, MONDO:0009760, OMIM 257320.
Familial temporal lobe epilepsy 7. Identifiers: Orphanet 101046, MedGen C4225327, MONDO:0014639, OMIM 616436.

Submission:

Labcorp Genetics (formerly Invitae), Labcorp
Classification: Uncertain significance for Familial temporal lobe epilepsy 7; Norman-Roberts syndrome. Last evaluated: 2020-02-11. Review status: criteria provided, single submitter. Criteria: Invitae Variant Classification Sherloc (09022015). Collection method: clinical testing. Allele origin: germline.
Comment: This variant, c.7308_7310del, results in the deletion of 1 amino acid(s) of the RELN protein (p.Asn2436del), but otherwise preserves the integrity of the reading frame. This variant is not present in population databases (ExAC no frequency). This variant has not been reported in the literature in individuals with RELN-related conditions. Experimental studies and prediction algorithms are not available or were not evaluated, and the functional significance of this variant is currently unknown. In summary, the available evidence is currently insufficient to determine the role of this variant in disease. Therefore, it has been classified as a Variant of Uncertain Significance.

NM_005045.4(RELN):c.7305CAA[1] (p.Asn2436del)

Gene: RELN (reelin; minus strand). Cytogenetic location: 7q22.1.
Variant type: Microsatellite.
Coding change: c.7305CAA[1] on transcript NM_005045.4 (MANE Select); one copy of the 3-base unit CAA starting at c.7305; the reference has two copies in a row; one copy, 3 bases deleted.
Protein change: p.Asn2436del; deletes asparagine 2436.
Molecular consequence: inframe deletion.
Genome position (GRCh38, 1-based): chr7:103,535,355-103,535,357, TTG deleted on the plus strand (CAA on the coding strand, the reverse complement: RELN is on the minus strand); deleting any 3 consecutive bases within chr7:103,535,355-103,535,360 gives the same sequence; the position shown is the placement nearest the transcript's 3' end. VCF-style (leftmost placement, unchanged base first): chr7-103535354-CTTG-C. GRCh37 (hg19) VCF-style: chr7-103175801-CTTG-C.
Other names: c.7305CAA[1], p.Asn2436del (NM_173054.3); short protein forms N2436del.
Identifiers: ClinVar variation 971653 (VCV000971653.9), dbSNP rs1830026038, ClinGen allele CA1730775814.